The following is an entry in ClinVar:

NM_020706.2(SCAF4):c.1363C>G (p.Arg455Gly)

Gene: SCAF4 (SR-related CTD associated factor 4; minus strand). Cytogenetic location: 21q22.11.
Variant type: single nucleotide variant.
Coding change: c.1363C>G on transcript NM_020706.2 (MANE Select); coding-DNA position 1363, C replaced by G.
Protein change: p.Arg455Gly; replaces arginine 455 with glycine.
Molecular consequence: missense variant.
Genome position (GRCh38, 1-based): chr21:31,693,444, G>C on the plus strand (C>G on the coding strand, the complement: SCAF4 is on the minus strand). VCF-style: chr21-31693444-G-C. GRCh37 (hg19) VCF-style: chr21-33065757-G-C.
Other names: c.1318C>G, p.Arg440Gly (NM_001145444.1); c.1363C>G, p.Arg455Gly (NM_001145445.1); short protein forms R455G, R440G.
Identifiers: ClinVar variation 4977518 (VCV004977518.1).

ClinVar aggregate classification (germline): Uncertain significance (1 of 4 stars; one submission).

Conditions:
SCAF4-related disorder. Also called: SCAF4-related condition.

Submission:

PreventionGenetics, part of Exact Sciences
Classification: Uncertain significance for SCAF4-related condition. Last evaluated: 2026-07-31. Review status: criteria provided, single submitter. Criteria: ACMG Guidelines, 2015. Collection method: clinical testing. Allele origin: germline.
Comment: The SCAF4 c.1363C>G variant is predicted to result in the amino acid substitution p.Arg455Gly. To our knowledge, this variant has not been reported in the literature or in a large population database (gnomAD), indicating this variant is rare. At this time, the clinical significance of this variant is uncertain due to the absence of conclusive functional and genetic evidence.